The following is an entry in ClinVar:

NC_000006.11:g.(?_121401917)_(121427329_?)del

Gene: TBC1D32 (TBC1 domain family member 32; minus strand). Cytogenetic location: 6q22.31.
Variant type: Deletion.
Identifiers: ClinVar variation 2427404 (VCV002427404.4).

ClinVar aggregate classification (germline): Uncertain significance (1 of 4 stars; one submission).

Submission:

Labcorp Genetics (formerly Invitae), Labcorp
Classification: Uncertain significance. Last evaluated: 2022-06-01. Review status: criteria provided, single submitter. Criteria: Invitae Variant Classification Sherloc (09022015). Collection method: clinical testing. Allele origin: germline.
Comment: This variant is a gross deletion of the genomic region encompassing exon(s) 30-32 of the TBC1D32 gene, which includes the termination codon. This deletion extends beyond the assayed region for this gene and therefore may encompass additional genes. While this deletion is not anticipated to lead to nonsense mediated decay, it is expected to alter mRNA translation or result in a truncated protein product. This variant has not been reported in the literature in individuals affected with TBC1D32-related conditions. In summary, the available evidence is currently insufficient to determine the role of this variant in disease. Therefore, it has been classified as a Variant of Uncertain Significance.